The following is an entry in ClinVar:

NM_004946.3(DOCK2):c.5294C>G (p.Ala1765Gly)

Gene: DOCK2 (dedicator of cytokinesis 2; plus strand). Cytogenetic location: 5q35.1.
Variant type: single nucleotide variant.
Coding change: c.5294C>G on transcript NM_004946.3 (MANE Select); coding-DNA position 5294, C replaced by G.
Protein change: p.Ala1765Gly; replaces alanine 1765 with glycine.
Molecular consequence: missense variant. On other transcripts: non-coding transcript variant (1).
Genome position (GRCh38, 1-based): chr5:170,081,848, C>G. VCF-style: chr5-170081848-C-G. GRCh37 (hg19) VCF-style: chr5-169508852-C-G.
Other names: short protein forms A1765G.
Identifiers: ClinVar variation 1020659 (VCV001020659.8), dbSNP rs141274816, ClinGen allele CA362118851.

ClinVar aggregate classification (germline): Uncertain significance (1 of 4 stars; one submission).

Conditions:
DOCK2 deficiency. Also called: Immunodeficiency 40. Identifiers: Orphanet 447737, MedGen C4225328, MONDO:0014637, OMIM 616433.

Submission:

Labcorp Genetics (formerly Invitae), Labcorp
Classification: Uncertain significance for DOCK2 deficiency. Last evaluated: 2020-02-28. Review status: criteria provided, single submitter. Criteria: Invitae Variant Classification Sherloc (09022015). Collection method: clinical testing. Allele origin: germline.
Comment: In summary, the available evidence is currently insufficient to determine the role of this variant in disease. Therefore, it has been classified as a Variant of Uncertain Significance. Algorithms developed to predict the effect of missense changes on protein structure and function (SIFT, PolyPhen-2, Align-GVGD) all suggest that this variant is likely to be tolerated, but these predictions have not been confirmed by published functional studies and their clinical significance is uncertain. This variant has not been reported in the literature in individuals with DOCK2-related conditions. This variant is not present in population databases (ExAC no frequency). This sequence change replaces alanine with glycine at codon 1765 of the DOCK2 protein (p.Ala1765Gly). The alanine residue is weakly conserved and there is a small physicochemical difference between alanine and glycine.